The following is an entry in ClinVar:

ClinVar aggregate classification (germline): Likely benign (1 of 4 stars; one submission).

Allele frequency attached by ClinVar (database versions not stated): gnomAD 0.00001; ExAC 0.00005.

Submission:

CeGaT Center for Human Genetics Tuebingen
Classification: Likely benign. Last evaluated: 2023-01-01. Review status: criteria provided, single submitter. Criteria: CeGaT Center For Human Genetics Tuebingen Variant Classification Criteria Version 2. Collection method: clinical testing. Allele origin: germline. Affected: yes. Observed: 1 variant allele.
Comment: MUC12: BP4, BP7

NM_001164462.2(MUC12):c.12819T>A (p.Thr4273=)

Gene: MUC12 (mucin 12, cell surface associated; plus strand). Cytogenetic location: 7q22.1.
Variant type: single nucleotide variant.
Coding change: c.12819T>A on transcript NM_001164462.2 (MANE Select); coding-DNA position 12819, T replaced by A.
Protein change: p.Thr4273=; no amino-acid change (threonine 4273 retained).
Molecular consequence: synonymous variant.
Genome position (GRCh38, 1-based): chr7:101,003,382, T>A. VCF-style: chr7-101003382-T-A. GRCh37 (hg19) VCF-style: chr7-100646663-T-A.
Identifiers: ClinVar variation 2657822 (VCV002657822.24), dbSNP rs758536191, ClinGen allele CA4400225.